The following is an entry in ClinVar:

ClinVar aggregate classification (germline): Uncertain significance (1 of 4 stars; one submission).

Allele frequency attached by ClinVar (database versions not stated): TOPMed below 0.00001; gnomAD 0.00001.
gnomAD v4.1: 2 of 1,543,358 alleles (0.00013%); highest among the groups gnomAD compares: Non-Finnish European, 0.00018%; no homozygotes.

Submission:

GeneDx
Classification: Uncertain significance. Last evaluated: 2023-04-27. Review status: criteria provided, single submitter. Criteria: GeneDx Variant Classification Process June 2021. Collection method: clinical testing. Allele origin: germline. Affected: yes.
Comment: Not observed at significant frequency in large population cohorts (gnomAD); In silico analysis supports that this missense variant has a deleterious effect on protein structure/function; Has not been previously published as pathogenic or benign to our knowledge

NM_002662.5(PLD1):c.2225T>G (p.Val742Gly)

Gene: PLD1 (phospholipase D1; minus strand). Cytogenetic location: 3q26.31.
Variant type: single nucleotide variant.
Coding change: c.2225T>G on transcript NM_002662.5 (MANE Select); coding-DNA position 2225, T replaced by G.
Protein change: p.Val742Gly; replaces valine 742 with glycine.
Molecular consequence: missense variant.
Genome position (GRCh38, 1-based): chr3:171,674,504, A>C on the plus strand (T>G on the coding strand, the complement: PLD1 is on the minus strand). VCF-style: chr3-171674504-A-C. GRCh37 (hg19) VCF-style: chr3-171392294-A-C.
Other names: c.2111T>G, p.Val704Gly (NM_001130081.3); short protein forms V704G, V742G.
Identifiers: ClinVar variation 2662041 (VCV002662041.1), dbSNP rs1465130781, ClinGen allele CA355492925.